The following is an entry in ClinVar:

ClinVar aggregate classification (germline): Uncertain significance. Review status: criteria provided, multiple submitters, no conflicts (2 of 4 stars). 2 submissions from 2 submitters: Uncertain significance (2). Last evaluated 2026-06-22.

Conditions:
Inborn genetic diseases. Identifiers: MedGen C0950123, MeSH D030342.

Allele frequency attached by ClinVar (database versions not stated): TOPMed 0.00002; gnomAD exomes below 0.00001.
gnomAD v4.1: 2 of 1,208,321 alleles (0.00017%); highest among the groups gnomAD compares: African/African-American, 0.0017%; no homozygotes.

Submissions (2):

Ambry Genetics
Classification: Uncertain significance for Inborn genetic diseases. Last evaluated: 2026-06-22. Review status: criteria provided, single submitter. Criteria: Ambry Variant Classification Scheme 2023. Collection method: clinical testing. Allele origin: germline.

GeneDx
Classification: Uncertain significance. Last evaluated: 2025-05-28. Review status: criteria provided, single submitter. Criteria: GeneDx Variant Classification Process June 2021. Collection method: clinical testing. Allele origin: germline.
Comment: Not observed at significant frequency in large population cohorts (gnomAD); In silico analysis supports that this missense variant has a deleterious effect on protein structure/function; Has not been previously published as pathogenic or benign to our knowledge

NM_153252.5(BRWD3):c.4004C>T (p.Pro1335Leu)

Gene: BRWD3 (bromodomain and WD repeat domain containing 3; minus strand). Cytogenetic location: Xq21.1.
Variant type: single nucleotide variant.
Coding change: c.4004C>T on transcript NM_153252.5 (MANE Select); coding-DNA position 4004, C replaced by T.
Protein change: p.Pro1335Leu; replaces proline 1335 with leucine.
Molecular consequence: missense variant.
Genome position (GRCh38, 1-based): chrX:80,686,864, G>A on the plus strand (C>T on the coding strand, the complement: BRWD3 is on the minus strand). VCF-style: chrX-80686864-G-A. GRCh37 (hg19) VCF-style: chrX-79942363-G-A.
Other names: short protein forms P1335L.
Identifiers: ClinVar variation 2499413 (VCV002499413.3), dbSNP rs2072534090, ClinGen allele CA413612804.